The following is an entry in ClinVar:

ClinVar aggregate classification (germline): Pathogenic (1 of 4 stars; one submission).

Conditions:
Mucopolysaccharidosis, MPS-III-D (MPS3D). Also called: N-ACETYLGLUCOSAMINE-6-SULFATASE DEFICIENCY; SANFILIPPO SYNDROME D; MPS III D; Mucopoly-saccharidosis type 3D; N-acetylglucosamine-6-sulfate sulfatase deficiency; MPS 3D. Identifiers: Orphanet 581, Orphanet 79272, MedGen C0086650, MONDO:0009658, OMIM 252940.

Submission:

Labcorp Genetics (formerly Invitae), Labcorp
Classification: Pathogenic for Mucopolysaccharidosis, MPS-III-D. Last evaluated: 2023-03-27. Review status: criteria provided, single submitter. Criteria: Invitae Variant Classification Sherloc (09022015). Collection method: clinical testing. Allele origin: germline.
Comment: For these reasons, this variant has been classified as Pathogenic. ClinVar contains an entry for this variant (Variation ID: 1413883). This variant has not been reported in the literature in individuals affected with GNS-related conditions. This variant is not present in population databases (gnomAD no frequency). This sequence change creates a premature translational stop signal (p.Pro8Glnfs*57) in the GNS gene. It is expected to result in an absent or disrupted protein product. Loss-of-function variants in GNS are known to be pathogenic (PMID: 20232353).

Literature cited by the submitters: PubMed 20232353.

NM_002076.4(GNS):c.23del (p.Pro8fs)

Gene: GNS (glucosamine (N-acetyl)-6-sulfatase; minus strand). Cytogenetic location: 12q14.3.
Variant type: Deletion.
Coding change: c.23del on transcript NM_002076.4 (MANE Select); coding-DNA position 23, one base deleted (C; older notation c.23delC).
Protein change: p.Pro8fs; shifts the reading frame from proline 8.
Molecular consequence: frameshift variant.
Genome position (GRCh38, 1-based): chr12:64,759,254, G deleted on the plus strand (C on the coding strand, the reverse complement: GNS is on the minus strand); the first of 4 consecutive G bases (chr12:64,759,254-64,759,257); deleting any one gives the same sequence. VCF-style (leftmost placement, unchanged base first): chr12-64759253-TG-T. GRCh37 (hg19) VCF-style: chr12-65153033-TG-T.
Other names: short protein forms P8fs.
Identifiers: ClinVar variation 1413883 (VCV001413883.6), dbSNP rs2136259586, ClinGen allele CA2573148959.